The following is an entry in ClinVar:

ClinVar aggregate classification (germline): Uncertain significance. Review status: criteria provided, multiple submitters, no conflicts (2 of 4 stars). 2 submissions from 2 submitters: Uncertain significance (2). Last evaluated 2023-09-10.

Conditions:
Microcephaly, normal intelligence and immunodeficiency (NBS). Also called: Microcephaly with normal intelligence immunodeficiency and lymphoreticular malignancies; Nonsyndromal microcephaly autosomal recessive with normal intelligence; Seemanova syndrome 2; Immunodeficiency, microcephaly with normal intelligence; SEEMANOVA SYNDROME II; IMMUNODEFICIENCY, MICROCEPHALY, AND CHROMOSOMAL INSTABILITY. Identifiers: Orphanet 647, MedGen C0398791, MONDO:0009623, OMIM 251260.
Hereditary cancer-predisposing syndrome. Also called: Neoplastic Syndromes, Hereditary; Hereditary neoplastic syndrome; Tumor predisposition; Hereditary Cancer Syndrome. Identifiers: Orphanet 140162, MedGen C0027672, MeSH D009386, MONDO:0015356.

Allele frequency attached by ClinVar (database versions not stated): gnomAD exomes 0.00001.

Submissions (2):

Labcorp Genetics (formerly Invitae), Labcorp
Classification: Uncertain significance for Microcephaly, normal intelligence and immunodeficiency. Last evaluated: 2023-09-10. Review status: criteria provided, single submitter. Criteria: Invitae Variant Classification Sherloc (09022015). Collection method: clinical testing. Allele origin: germline.
Comment: In summary, the available evidence is currently insufficient to determine the role of this variant in disease. Therefore, it has been classified as a Variant of Uncertain Significance. Algorithms developed to predict the effect of missense changes on protein structure and function output the following: SIFT: "Not Available"; PolyPhen-2: "Benign"; Align-GVGD: "Not Available". The serine amino acid residue is found in multiple mammalian species, which suggests that this missense change does not adversely affect protein function. ClinVar contains an entry for this variant (Variation ID: 842797). This variant has not been reported in the literature in individuals affected with NBN-related conditions. This variant is not present in population databases (gnomAD no frequency). This sequence change replaces proline, which is neutral and non-polar, with serine, which is neutral and polar, at codon 513 of the NBN protein (p.Pro513Ser).

Sema4
Classification: Uncertain significance for Hereditary cancer-predisposing syndrome. Last evaluated: 2022-01-20. Review status: criteria provided, single submitter. Criteria: Sema4 Curation Guidelines. Collection method: curation. Allele origin: germline.
Comment: The NBN c.1537C>T (p.P513S) variant has not been reported in the literature to our knowledge. It was not observed in the large and broad cohorts of the Genome Aggregation Database. The variant has been reported in ClinVar (Variation ID: 842797). In silico tools suggest the impact of the variant on protein function is benign, though these predictions have not been confirmed by functional studies. The evidence is insufficient to meet ACMG/AMP criteria for classifying the variant as benign or pathogenic. Thus, the clinical significance of this variant is currently uncertain.

NM_002485.5(NBN):c.1537C>T (p.Pro513Ser)

Gene: NBN (nibrin; minus strand). Cytogenetic location: 8q21.3.
Variant type: single nucleotide variant.
Coding change: c.1537C>T on transcript NM_002485.5 (MANE Select); coding-DNA position 1537, C replaced by T.
Protein change: p.Pro513Ser; replaces proline 513 with serine.
Molecular consequence: missense variant.
Genome position (GRCh38, 1-based): chr8:89,953,552, G>A on the plus strand (C>T on the coding strand, the complement: NBN is on the minus strand). VCF-style: chr8-89953552-G-A. GRCh37 (hg19) VCF-style: chr8-90965780-G-A.
Other names: c.1291C>T, p.Pro431Ser (NM_001024688.3); short protein forms P431S, P513S.
Identifiers: ClinVar variation 842797 (VCV000842797.11), dbSNP rs1810551219, ClinGen allele CA371655641.
Genomic context (GRCh38, chr8:89,953,552, plus strand): 5'-TCACAATAGATTTTAAATCTGTATCTGTAAATAAGTTATTGTCTGAGTTTGTGTCCACAG[G>A]CTCATTCTCAGATAGATGCTGCTCCTTATTTTTCCACAATGAGGGTGTAGCAGGTTGTGT-3'
Protein context (NP_002476.2, residues 503-523): NKEQHLSENE[Pro513Ser]VDTNSDNNLF